The following is an entry in ClinVar:

NM_001079802.2(FKTN):c.481C>A (p.His161Asn)

Gene: FKTN (fukutin; plus strand). Cytogenetic location: 9q31.2.
Variant type: single nucleotide variant.
Coding change: c.481C>A on transcript NM_001079802.2 (MANE Select); coding-DNA position 481, C replaced by A.
Protein change: p.His161Asn; replaces histidine 161 with asparagine.
Molecular consequence: missense variant. On other transcripts: non-coding transcript variant (2).
Genome position (GRCh38, 1-based): chr9:105,604,326, C>A. VCF-style: chr9-105604326-C-A. GRCh37 (hg19) VCF-style: chr9-108366607-C-A.
Other names: c.85C>A, p.His29Asn (NM_001351499.2, NM_001351500.2, NM_001351501.2 and 1 more transcripts); c.481C>A, p.His161Asn (NM_006731.2, NM_001198963.2, NM_001351496.2 and 1 more transcripts); c.412C>A, p.His138Asn (NM_001351497.2); short protein forms H138N, H161N, H29N.
Identifiers: ClinVar variation 1396463 (VCV001396463.5), dbSNP rs753338116, ClinGen allele CA374332084.

ClinVar aggregate classification (germline): Uncertain significance (1 of 4 stars; one submission).

Conditions:
Walker-Warburg congenital muscular dystrophy. Also called: Muscular dystrophy-dystroglycanopathy, type A; Walker-Warburg syndrome. Identifiers: Orphanet 899, MedGen C0265221, MONDO:0000171.

gnomAD v4.1: 1 of 1,614,120 alleles (0.000062%); highest among the groups gnomAD compares: South Asian, 0.0011%; no homozygotes.

Submission:

Labcorp Genetics (formerly Invitae), Labcorp
Classification: Uncertain significance for Walker-Warburg congenital muscular dystrophy. Last evaluated: 2024-04-10. Review status: criteria provided, single submitter. Criteria: Invitae Variant Classification Sherloc (09022015). Collection method: clinical testing. Allele origin: germline.
Comment: This sequence change replaces histidine, which is basic and polar, with asparagine, which is neutral and polar, at codon 161 of the FKTN protein (p.His161Asn). This variant is not present in population databases (gnomAD no frequency). This variant has not been reported in the literature in individuals affected with FKTN-related conditions. ClinVar contains an entry for this variant (Variation ID: 1396463). Advanced modeling of protein sequence and biophysical properties (such as structural, functional, and spatial information, amino acid conservation, physicochemical variation, residue mobility, and thermodynamic stability) performed at Invitae indicates that this missense variant is expected to disrupt FKTN protein function with a positive predictive value of 80%. In summary, the available evidence is currently insufficient to determine the role of this variant in disease. Therefore, it has been classified as a Variant of Uncertain Significance.